The following is an entry in ClinVar:

NM_000278.5(PAX2):c.*70C>G

Gene: PAX2 (paired box 2; plus strand). Cytogenetic location: 10q24.31.
Variant type: single nucleotide variant.
Coding change: c.*70C>G on transcript NM_000278.5 (MANE Select); 70 bases downstream of the stop codon, C replaced by G.
Molecular consequence: 3 prime UTR variant.
Genome position (GRCh38, 1-based): chr10:100,827,689, C>G. VCF-style: chr10-100827689-C-G. GRCh37 (hg19) VCF-style: chr10-102587446-C-G.
Other names: c.*70C>G (NM_001304569.2, NM_003987.5); c.*147C>G (NM_003988.5); c.*6C>G (NM_003989.5, NM_003990.5).
Identifiers: ClinVar variation 2637357 (VCV002637357.1), dbSNP rs1307542099, ClinGen allele CA595623830.

ClinVar aggregate classification (germline): Uncertain significance (1 of 4 stars; one submission).

Conditions:
PAX2-Related Disorder. Also called: PAX2-related disorders. Identifiers: MedGen CN381309.

Allele frequency attached by ClinVar (database versions not stated): gnomAD 0.00001.
gnomAD v4.1: 6 of 1,612,738 alleles (0.00037%); highest among the groups gnomAD compares: Middle Eastern, 0.018%; no homozygotes.

Submission:

PreventionGenetics, part of Exact Sciences
Classification: Uncertain significance for PAX2-related condition. Last evaluated: 2022-09-16. Review status: criteria provided, single submitter. Criteria: ACMG Guidelines, 2015. Collection method: clinical testing. Allele origin: germline.
Comment: The PAX2 c.*6C>G variant is located in the 3' untranslated region. To our knowledge, this variant has not been reported in the literature. This variant is reported in 0.0018% of alleles in individuals of European (Non-Finnish) descent in gnomAD. Although we suspect that this variant may be benign, at this time, the clinical significance of this variant is uncertain due to the absence of conclusive functional and genetic evidence.